The following is an entry in ClinVar:

NM_003900.5(SQSTM1):c.1129C>G (p.Leu377Val)

Gene: SQSTM1 (sequestosome 1; plus strand). Cytogenetic location: 5q35.3.
Variant type: single nucleotide variant.
Coding change: c.1129C>G on transcript NM_003900.5 (MANE Select); coding-DNA position 1129, C replaced by G.
Protein change: p.Leu377Val; replaces leucine 377 with valine.
Molecular consequence: missense variant.
Genome position (GRCh38, 1-based): chr5:179,833,746, C>G. VCF-style: chr5-179833746-C-G. GRCh37 (hg19) VCF-style: chr5-179260746-C-G.
Other names: c.877C>G, p.Leu293Val (NM_001142298.2, NM_001142299.2); short protein forms L293V, L377V.
Identifiers: ClinVar variation 2634070 (VCV002634070.5), dbSNP rs147305175, ClinGen allele CA3600806.
Genomic context (GRCh38, chr5:179,833,746, plus strand): 5'-CAGATGCCAGAATCCGAAGGGCCAAGCTCTCTGGACCCCTCCCAGGAGGGACCCACAGGG[C>G]TGAAGGAAGCTGCCTTGTACCCACATCTCCCGCCAGGCAAGTGAACCAAGAGGTTTTGTA-3'
Protein context (NP_003891.1, residues 367-387): LDPSQEGPTG[Leu377Val]KEAALYPHLP

ClinVar aggregate classification (germline): Uncertain significance. Review status: criteria provided, multiple submitters, no conflicts (2 of 4 stars). 3 submissions from 3 submitters: Uncertain significance (3). Last evaluated 2025-10-09.

Conditions:
SQSTM1-related disorder. Also called: SQSTM1-Related Disorders.
Frontotemporal dementia and/or amyotrophic lateral sclerosis 1 (FTDALS1). Also called: Frontotemporal dementia with motor neuron disease 1; C9orf72 Frontotemporal Dementia and/or Amyotrophic Lateral Sclerosis. Identifiers: Orphanet 275872, MedGen C5779877, MONDO:0007105, OMIM 105550.
Paget disease of bone 2, early-onset (PDB2). Also called: Paget disease of bone 2. Identifiers: MedGen C4085251, MONDO:0011183, OMIM 602080.

Allele frequency attached by ClinVar (database versions not stated): gnomAD 0.00001; gnomAD exomes 0.00001; ExAC 0.00002; TOPMed 0.00002; ESP Exome Variant Server 0.00008.
gnomAD v4.1: 13 of 1,613,998 alleles (0.00081%); highest among the groups gnomAD compares: Non-Finnish European, 0.0011%; no homozygotes.

Submissions (3):

Women's Health and Genetics/Laboratory Corporation of America, LabCorp
Classification: Uncertain significance. Last evaluated: 2025-10-09. Review status: criteria provided, single submitter. Criteria: LabCorp Variant Classification Summary - May 2015. Collection method: clinical testing. Allele origin: germline.
Comment: Variant summary: SQSTM1 c.1129C>G (p.Leu377Val) results in a conservative amino acid change in the encoded protein sequence. Algorithms developed to predict the effect of missense changes on protein structure and function are either unavailable or do not agree on the potential impact of this missense change. The variant allele was found at a frequency of 1.6e-05 in 251398 control chromosomes. The available data on variant occurrences in the general population are insufficient to allow any conclusion about variant significance. To our knowledge, no occurrence of c.1129C>G in individuals affected with SQSTM1-related conditions and no experimental evidence demonstrating its impact on protein function have been reported. ClinVar contains an entry for this variant (Variation ID: 2634070). Based on the evidence outlined above, the variant was classified as uncertain significance.

Labcorp Genetics (formerly Invitae), Labcorp
Classification: Uncertain significance for Paget disease of bone 2, early-onset; Frontotemporal dementia and/or amyotrophic lateral sclerosis 1. Last evaluated: 2023-12-29. Review status: criteria provided, single submitter. Criteria: Invitae Variant Classification Sherloc (09022015). Collection method: clinical testing. Allele origin: germline.
Comment: This sequence change replaces leucine, which is neutral and non-polar, with valine, which is neutral and non-polar, at codon 377 of the SQSTM1 protein (p.Leu377Val). This variant is present in population databases (rs147305175, gnomAD 0.004%). This variant has not been reported in the literature in individuals affected with SQSTM1-related conditions. ClinVar contains an entry for this variant (Variation ID: 2634070). Advanced modeling of protein sequence and biophysical properties (such as structural, functional, and spatial information, amino acid conservation, physicochemical variation, residue mobility, and thermodynamic stability) has been performed at Invitae for this missense variant, however the output from this modeling did not meet the statistical confidence thresholds required to predict the impact of this variant on SQSTM1 protein function. In summary, the available evidence is currently insufficient to determine the role of this variant in disease. Therefore, it has been classified as a Variant of Uncertain Significance.

PreventionGenetics, part of Exact Sciences
Classification: Uncertain significance for SQSTM1-related condition. Last evaluated: 2023-08-05. Review status: criteria provided, single submitter. Criteria: ACMG Guidelines, 2015. Collection method: clinical testing. Allele origin: germline.
Comment: The SQSTM1 c.1129C>G variant is predicted to result in the amino acid substitution p.Leu377Val. This variant was reported as a variant of uncertain significance in an individual with amyotrophic lateral sclerosis/frontotemporal dementia (Table S1, Mesaros et al. 2021. PubMed ID: 35052416). This variant was also reported in an individual with Gaucher disease and amyotrophic lateral sclerosis. Of note, this individual also carried compound heterozygous pathogenic variants in GBA1 (Oliveira et al. 2021. PubMed ID: 34017912). This variant is reported in 0.0035% of alleles in individuals of European (Non-Finnish) descent in gnomAD. At this time, the clinical significance of this variant is uncertain due to the absence of conclusive functional and genetic evidence.